The following is an entry in ClinVar:

NM_001042432.2(CLN3):c.125+6T>C

Gene: CLN3 (CLN3 lysosomal/endosomal transmembrane protein, battenin; minus strand). Cytogenetic location: 16p12.1.
Variant type: single nucleotide variant.
Coding change: c.125+6T>C on transcript NM_001042432.2 (MANE Select); 6 bases into the intron after coding-DNA position 125, T replaced by C.
Molecular consequence: intron variant.
Genome position (GRCh38, 1-based): chr16:28,491,476, A>G on the plus strand (T>C on the coding strand, the complement: CLN3 is on the minus strand). VCF-style: chr16-28491476-A-G. GRCh37 (hg19) VCF-style: chr16-28502797-A-G.
Other names: c.-38+238T>C (NM_001286109.2, NM_001286110.2); c.125+6T>C (NM_001286104.2, NM_000086.2); c.-96+238T>C (NM_001286105.2).
Identifiers: ClinVar variation 1041221 (VCV001041221.6), dbSNP rs745440092, ClinGen allele CA7981070.
Genomic context (GRCh38, chr16:28,491,476, plus strand): 5'-CCCTTTCCTCCGGTCACTTCCCTCTTCTCATGCCATTGTCACTCGCTGAAGTCTCAGGCC[A>G]CTCACCAGAAGCCCACCGCGTTCTTCCAATGCGCGCCCTGATGGTCCAACAGAGGGAGCC-3'

ClinVar aggregate classification (germline): Uncertain significance. Review status: criteria provided, multiple submitters, no conflicts (2 of 4 stars). 3 submissions from 3 submitters: Uncertain significance (3). Last evaluated 2025-12-01.

Conditions:
Neuronal ceroid lipofuscinosis. Also called: Neuronal Ceroid Lipofuscinoses. Identifiers: Orphanet 216, Orphanet 79263, MedGen C0027877, MONDO:0016295. Disease mechanism: loss of function.

Allele frequency attached by ClinVar (database versions not stated): ExAC 0.00001; gnomAD 0.00001; gnomAD exomes 0.00001 and 0.00002; TOPMed 0.00002.
gnomAD v4.1: 25 of 1,612,932 alleles (0.0015%); highest among the groups gnomAD compares: Non-Finnish European, 0.0021%; no homozygotes.

Submissions (3):

Labcorp Genetics (formerly Invitae), Labcorp
Classification: Uncertain significance for Neuronal ceroid lipofuscinosis. Last evaluated: 2025-12-01. Review status: criteria provided, single submitter. Criteria: Invitae Variant Classification Sherloc (09022015). Collection method: clinical testing. Allele origin: germline.
Comment: This sequence change falls in intron 3 of the CLN3 gene. It does not directly change the encoded amino acid sequence of the CLN3 protein. It affects a nucleotide within the consensus splice site. This variant is present in population databases (rs745440092, gnomAD 0.002%). This variant has not been reported in the literature in individuals affected with CLN3-related conditions. ClinVar contains an entry for this variant (Variation ID: 1041221). Variants that disrupt the consensus splice site are a relatively common cause of aberrant splicing (PMID: 17576681, 9536098). Algorithms developed to predict the effect of sequence changes on RNA splicing suggest that this variant may disrupt the consensus splice site. In summary, the available evidence is currently insufficient to determine the role of this variant in disease. Therefore, it has been classified as a Variant of Uncertain Significance.

Women's Health and Genetics/Laboratory Corporation of America, LabCorp
Classification: Uncertain significance. Last evaluated: 2024-02-19. Review status: criteria provided, single submitter. Criteria: LabCorp Variant Classification Summary - May 2015. Collection method: clinical testing. Allele origin: germline.

Blueprint Genetics
Classification: Uncertain significance. Last evaluated: 2024-01-15. Review status: criteria provided, single submitter. Criteria: ACMG Guidelines, 2015. Collection method: clinical testing. Allele origin: germline.

Literature cited by the submitters: PubMed 17576681 (cited by Labcorp Genetics (formerly Invitae), Labcorp); PubMed 9536098 (cited by Labcorp Genetics (formerly Invitae), Labcorp).